The following is an entry in ClinVar:

NM_015154.3(MESD):c.57GCT[3] (p.Leu25_Leu26del)

Genes: MESD (mesoderm development LRP chaperone; minus strand), LOC121530597 (Sharpr-MPRA regulatory region 7880; plus strand). Cytogenetic location: 15q25.1.
Variant type: Microsatellite.
Coding change: c.57GCT[3] on transcript NM_015154.3 (MANE Select); three copies in a row of the 3-base unit GCT starting at c.57; the reference has five copies in a row; two copies, 6 bases deleted.
Protein change: p.Leu25_Leu26del.
Molecular consequence: inframe deletion. On other transcripts: non-coding transcript variant (2).
Genome position (GRCh38, 1-based): chr15:80,989,721-80,989,726, AGCAGC deleted on the plus strand (GCTGCT on the coding strand, the reverse complement: MESD is on the minus strand); deleting any 6 consecutive bases within chr15:80,989,721-80,989,737 gives the same sequence; the position shown is the placement nearest the transcript's 3' end. VCF-style (leftmost placement, unchanged base first): chr15-80989720-TAGCAGC-T. GRCh37 (hg19) VCF-style: chr15-81282061-TAGCAGC-T.
Other names: c.66_71del6 (NM_015154.2).
Identifiers: ClinVar variation 2047070 (VCV002047070.2), dbSNP rs376961994, ClinGen allele CA7694030.
Genomic context (GRCh38, chr15:80,989,720, plus strand): 5'-AGACTCGTCGGGCGTCCCGGGCGAGCCTTCGGCCGCGCAGGACCCAGGCGGTGGTAGCAG[TAGCAGC>T]AGCAGCAGCAGGTCAGAGGCACAAAGCAGGACCACGGCCTTGCGCGCCCACCTGGAAGCC-3'

ClinVar aggregate classification (germline): Uncertain significance. Review status: criteria provided, multiple submitters, no conflicts (2 of 4 stars). 2 submissions from 2 submitters: Uncertain significance (2). Last evaluated 2026-01-26.

Conditions:
MESD-related disorder. Also called: MESD-related condition.

Submissions (2):

PreventionGenetics, part of Exact Sciences
Classification: Uncertain significance for MESD-related condition. Last evaluated: 2026-01-26. Review status: criteria provided, single submitter. Criteria: ACMG Guidelines, 2015. Collection method: clinical testing. Allele origin: germline.
Comment: The MESD c.66_71del6 variant is predicted to result in an in-frame deletion (p.Leu25_Leu26del). To our knowledge, this variant has not been reported in the literature. This variant is reported in 0.053% of alleles in individuals of European (Non-Finnish) descent in gnomAD. Although we suspect that this variant may be benign, at this time, the clinical significance of this variant is uncertain due to the absence of conclusive functional and genetic evidence.

Labcorp Genetics (formerly Invitae), Labcorp
Classification: Uncertain significance. Last evaluated: 2022-07-26. Review status: criteria provided, single submitter. Criteria: Invitae Variant Classification Sherloc (09022015). Collection method: clinical testing. Allele origin: germline.
Comment: This variant, c.66_71del, results in the deletion of 2 amino acid(s) of the MESDC2 protein (p.Leu25_Leu26del), but otherwise preserves the integrity of the reading frame. This variant is present in population databases (rs755118244, gnomAD 0.05%). This variant has not been reported in the literature in individuals affected with MESDC2-related conditions. Experimental studies and prediction algorithms are not available or were not evaluated, and the functional significance of this variant is currently unknown. In summary, the available evidence is currently insufficient to determine the role of this variant in disease. Therefore, it has been classified as a Variant of Uncertain Significance.